The following is an entry in ClinVar:

NM_006662.3(SRCAP):c.6070A>T (p.Ile2024Phe)

Gene: SRCAP (Snf2 related CREBBP activator protein; plus strand). Cytogenetic location: 16p11.2.
Variant type: single nucleotide variant.
Coding change: c.6070A>T on transcript NM_006662.3 (MANE Select); coding-DNA position 6070, A replaced by T.
Protein change: p.Ile2024Phe; replaces isoleucine 2024 with phenylalanine.
Molecular consequence: missense variant.
Genome position (GRCh38, 1-based): chr16:30,729,515, A>T. VCF-style: chr16-30729515-A-T. GRCh37 (hg19) VCF-style: chr16-30740836-A-T.
Other names: short protein forms I2024F.
Identifiers: ClinVar variation 2577556 (VCV002577556.1), dbSNP rs750933379, ClinGen allele CA395622390.

ClinVar aggregate classification (germline): Uncertain significance (1 of 4 stars; one submission).

Submission:

GeneDx
Classification: Uncertain significance. Last evaluated: 2023-02-24. Review status: criteria provided, single submitter. Criteria: GeneDx Variant Classification Process June 2021. Collection method: clinical testing. Allele origin: germline. Affected: yes.
Comment: Not observed at significant frequency in large population cohorts (gnomAD); In silico analysis supports that this missense variant has a deleterious effect on protein structure/function; Has not been previously published as pathogenic or benign to our knowledge